The following is an entry in ClinVar:

NM_133259.4(LRPPRC):c.1846G>C (p.Val616Leu)

Gene: LRPPRC (leucine rich pentatricopeptide repeat containing; minus strand). Cytogenetic location: 2p21.
Variant type: single nucleotide variant.
Coding change: c.1846G>C on transcript NM_133259.4 (MANE Select); coding-DNA position 1846, G replaced by C.
Protein change: p.Val616Leu; replaces valine 616 with leucine.
Molecular consequence: missense variant.
Genome position (GRCh38, 1-based): chr2:43,948,196, C>G on the plus strand (G>C on the coding strand, the complement: LRPPRC is on the minus strand). VCF-style: chr2-43948196-C-G. GRCh37 (hg19) VCF-style: chr2-44175335-C-G.
Other names: short protein forms V616L.
Identifiers: ClinVar variation 2090422 (VCV002090422.4), dbSNP rs1229301675, ClinGen allele CA346676240.

ClinVar aggregate classification (germline): Uncertain significance (1 of 4 stars; one submission).

Submission:

Labcorp Genetics (formerly Invitae), Labcorp
Classification: Uncertain significance. Last evaluated: 2024-10-16. Review status: criteria provided, single submitter. Criteria: Invitae Variant Classification Sherloc (09022015). Collection method: clinical testing. Allele origin: germline.
Comment: This sequence change replaces valine, which is neutral and non-polar, with leucine, which is neutral and non-polar, at codon 616 of the LRPPRC protein (p.Val616Leu). This variant is not present in population databases (gnomAD no frequency). This variant has not been reported in the literature in individuals affected with LRPPRC-related conditions. ClinVar contains an entry for this variant (Variation ID: 2090422). Invitae Evidence Modeling of protein sequence and biophysical properties (such as structural, functional, and spatial information, amino acid conservation, physicochemical variation, residue mobility, and thermodynamic stability) indicates that this missense variant is not expected to disrupt LRPPRC protein function with a negative predictive value of 80%. In summary, the available evidence is currently insufficient to determine the role of this variant in disease. Therefore, it has been classified as a Variant of Uncertain Significance.